The following is an entry in ClinVar:

NM_000303.3(PMM2):c.28C>T (p.Leu10Phe)

Gene: PMM2 (phosphomannomutase 2; plus strand). Cytogenetic location: 16p13.2.
Variant type: single nucleotide variant.
Coding change: c.28C>T on transcript NM_000303.3 (MANE Select); coding-DNA position 28, C replaced by T.
Protein change: p.Leu10Phe; replaces leucine 10 with phenylalanine.
Molecular consequence: missense variant.
Genome position (GRCh38, 1-based): chr16:8,797,910, C>T. VCF-style: chr16-8797910-C-T. GRCh37 (hg19) VCF-style: chr16-8891767-C-T.
Other names: short protein forms L10F.
Identifiers: ClinVar variation 931845 (VCV000931845.8), dbSNP rs1215262242, ClinGen allele CA394694809.
Genomic context (GRCh38, chr16:8,797,910, plus strand): 5'-GTGTCTTGTAAGGTGCGGCTAGAAACTGGGGACATGGCAGCGCCTGGCCCAGCGCTCTGC[C>T]TCTTCGACGTGGATGGGACCCTCACCGCCCCGCGGCAGGTAAGTGGCGGCCGGCGGGCTG-3'
Protein context (NP_000294.1, residues 1-20): MAAPGPALC[Leu10Phe]FDVDGTLTAP

ClinVar aggregate classification (germline): Conflicting classifications of pathogenicity. Review status: criteria provided, conflicting classifications (1 of 4 stars). 2 submissions from 2 submitters: Likely pathogenic (1); Uncertain significance (1). Last evaluated 2022-01-27.

Conditions:
PMM2-congenital disorder of glycosylation. Also called: PMM2-CDG; Congenital disorder of glycosylation, type Ia; CARBOHYDRATE-DEFICIENT GLYCOPROTEIN SYNDROME, TYPE Ia; JAEKEN SYNDROME; PHOSPHOMANNOMUTASE 2 DEFICIENCY; CDG Ia. Identifiers: Orphanet 79318, MedGen C0349653, MONDO:0008907, OMIM 212065.

Allele frequency attached by ClinVar (database versions not stated): gnomAD exomes below 0.00001; gnomAD 0.00001; TOPMed 0.00001.
gnomAD v4.1: 2 of 1,611,222 alleles (0.00012%); highest among the groups gnomAD compares: Non-Finnish European, 0.00017%; no homozygotes.

Submissions (2):

Labcorp Genetics (formerly Invitae), Labcorp
Classification: Uncertain significance for PMM2-congenital disorder of glycosylation. Last evaluated: 2022-01-27. Review status: criteria provided, single submitter. Criteria: Invitae Variant Classification Sherloc (09022015). Collection method: clinical testing. Allele origin: germline.
Comment: This sequence change replaces leucine, which is neutral and non-polar, with phenylalanine, which is neutral and non-polar, at codon 10 of the PMM2 protein (p.Leu10Phe). This variant is not present in population databases (gnomAD no frequency). This variant has not been reported in the literature in individuals affected with PMM2-related conditions. ClinVar contains an entry for this variant (Variation ID: 931845). Advanced modeling of protein sequence and biophysical properties (such as structural, functional, and spatial information, amino acid conservation, physicochemical variation, residue mobility, and thermodynamic stability) performed at Invitae indicates that this missense variant is expected to disrupt PMM2 protein function. In summary, the available evidence is currently insufficient to determine the role of this variant in disease. Therefore, it has been classified as a Variant of Uncertain Significance.

Centre for Mendelian Genomics, University Medical Centre Ljubljana
Classification: Likely pathogenic for PMM2-congenital disorder of glycosylation. Last evaluated: 2020-03-30. Review status: criteria provided, single submitter. Criteria: ACMG Guidelines, 2015. Collection method: clinical testing. Allele origin: unknown. Affected: yes.
Comment: This variant was classified as: Likely pathogenic. The following ACMG criteria were applied in classifying this variant: PM1,PM2,PP2,PP3.